The following is an entry in ClinVar:

NM_001035.3(RYR2):c.13003C>A (p.Pro4335Thr)

Genes: RYR2 (ryanodine receptor 2; plus strand), LOC126806068 (BRD4-independent group 4 enhancer GRCh37_chr1:237947411-237948610; plus strand). Cytogenetic location: 1q43.
Variant type: single nucleotide variant.
Coding change: c.13003C>A on transcript NM_001035.3 (MANE Select); coding-DNA position 13003, C replaced by A.
Protein change: p.Pro4335Thr; replaces proline 4335 with threonine.
Molecular consequence: missense variant.
Genome position (GRCh38, 1-based): chr1:237,784,715, C>A. VCF-style: chr1-237784715-C-A. GRCh37 (hg19) VCF-style: chr1-237948015-C-A.
Other names: short protein forms P4335T.
Identifiers: ClinVar variation 926595 (VCV000926595.5), dbSNP rs768583251, ClinGen allele CA39828141.

ClinVar aggregate classification (germline): Uncertain significance (1 of 4 stars; one submission).

Conditions:
Cardiomyopathy (CMYO). Also called: Cardiomyopathies. Identifiers: Orphanet 167848, MedGen C0878544, MONDO:0004994, HP:0001638. Inheritance: Various modes of inheritance.

Submission:

Color Diagnostics, LLC DBA Color Health
Classification: Uncertain significance for Cardiomyopathy. Last evaluated: 2023-12-05. Review status: criteria provided, single submitter. Criteria: ACMG Guidelines, 2015. Collection method: clinical testing. Allele origin: germline.
Comment: This missense variant replaces proline with threonine at codon 4335 of the RYR2 protein. Computational prediction tools and conservation analyses suggest that this variant may have deleterious impact on the protein function. Computational splicing tools suggest that this variant may not impact RNA splicing. To our knowledge, functional assays have not been performed for this variant nor has this variant been reported in individuals affected with cardiovascular disorders in the literature. This variant has not been identified in the general population by the Genome Aggregation Database (gnomAD). Available evidence is insufficient to determine the role of this variant in disease conclusively. Therefore, this variant is classified as a Variant of Uncertain Significance.